The following is an entry in ClinVar:

ClinVar aggregate classification (germline): Uncertain significance (1 of 4 stars; one submission).

Allele frequency attached by ClinVar (database versions not stated): gnomAD exomes below 0.00001; TOPMed 0.00002.
gnomAD v4.1: 6 of 1,554,056 alleles (0.00039%); highest among the groups gnomAD compares: Admixed American, 0.012%; no homozygotes.

Submission:

Labcorp Genetics (formerly Invitae), Labcorp
Classification: Uncertain significance. Last evaluated: 2025-10-28. Review status: criteria provided, single submitter. Criteria: Invitae Variant Classification Sherloc (09022015). Collection method: clinical testing. Allele origin: germline.
Comment: This sequence change replaces proline, which is neutral and non-polar, with leucine, which is neutral and non-polar, at codon 1417 of the ALPK3 protein (p.Pro1417Leu). This variant is present in population databases (rs762139625, gnomAD 0.02%). This variant has not been reported in the literature in individuals affected with ALPK3-related conditions. ClinVar contains an entry for this variant (Variation ID: 2421277). Invitae Evidence Modeling of protein sequence and biophysical properties (such as structural, functional, and spatial information, amino acid conservation, physicochemical variation, residue mobility, and thermodynamic stability) indicates that this missense variant is expected to disrupt ALPK3 protein function with a positive predictive value of 80%. In summary, the available evidence is currently insufficient to determine the role of this variant in disease. Therefore, it has been classified as a Variant of Uncertain Significance.

NM_020778.5(ALPK3):c.3644C>T (p.Pro1215Leu)

Gene: ALPK3 (alpha kinase 3; plus strand). Cytogenetic location: 15q25.3.
Variant type: single nucleotide variant.
Coding change: c.3644C>T on transcript NM_020778.5 (MANE Select); coding-DNA position 3644, C replaced by T.
Protein change: p.Pro1215Leu; replaces proline 1215 with leucine.
Molecular consequence: missense variant.
Genome position (GRCh38, 1-based): chr15:84,858,382, C>T. VCF-style: chr15-84858382-C-T. GRCh37 (hg19) VCF-style: chr15-85401613-C-T.
Other names: short protein forms P1215L.
Identifiers: ClinVar variation 2421277 (VCV002421277.6), dbSNP rs762139625, ClinGen allele CA7709686.